The following is an entry in ClinVar:

ClinVar aggregate classification (germline): Likely pathogenic (1 of 4 stars; one submission).

Submission:

GeneDx
Classification: Likely pathogenic. Last evaluated: 2024-02-07. Review status: criteria provided, single submitter. Criteria: GeneDx Variant Classification Process June 2021. Collection method: clinical testing. Allele origin: germline. Affected: yes.
Comment: Identified in a patient with osteolytic bone lesions and facial swelling consistent with cherubism in published literature, however, apparently unaffected family members were also found to have the variant and other genes were not analyzed (PMID: 16786512); Published functional studies demonstrate a gain-of-function effect with increased activity of proteins involved in osteoclastogenesis (PMID: 20872577, 16786512); Not observed at significant frequency in large population cohorts (gnomAD); In silico analysis supports that this missense variant does not alter protein structure/function; This variant is associated with the following publications: (PMID: 22153076, 22640988, 22153077, 16786512, 20872577, 32620450)

NM_001122681.2(SH3BP2):c.1255G>A (p.Asp419Asn)

Gene: SH3BP2 (SH3 domain binding protein 2; plus strand). Cytogenetic location: 4p16.3.
Variant type: single nucleotide variant.
Coding change: c.1255G>A on transcript NM_001122681.2 (MANE Select); coding-DNA position 1255, G replaced by A.
Protein change: p.Asp419Asn; replaces aspartic acid 419 with asparagine.
Molecular consequence: missense variant.
Genome position (GRCh38, 1-based): chr4:2,831,584, G>A. VCF-style: chr4-2831584-G-A. GRCh37 (hg19) VCF-style: chr4-2833311-G-A.
Other names: c.1339G>A, p.Asp447Asn (NM_001145855.2); c.1426G>A, p.Asp476Asn (NM_001145856.2); c.1255G>A, p.Asp419Asn (NM_003023.4); short protein forms D419N, D447N, D476N.
Identifiers: ClinVar variation 3340405 (VCV003340405.1).